The following is an entry in ClinVar:

ClinVar aggregate classification (germline): Pathogenic (1 of 4 stars; one submission).

Conditions:
Primary ciliary dyskinesia 3. Identifiers: Orphanet 244, MedGen C1837618, MONDO:0012085, OMIM 608644.

Submission:

Myriad Genetics, Inc.
Classification: Pathogenic for Primary ciliary dyskinesia 3. Last evaluated: 2024-05-14. Review status: criteria provided, single submitter. Criteria: Myriad Autosomal Dominant, Autosomal Recessive and X-Linked Classification Criteria (2023). Collection method: clinical testing. Allele origin: unknown.
Comment: NM_001369.2(DNAH5):c.7775_7776ins17(Q2592Hfs*7) is expected to be pathogenic in the context of primary ciliary dyskinesia, DNAH5-related. This variant is predicted to lead to an abnormal or absent protein product due to the creation of a premature termination codon in DNAH5, a gene where loss-of-function variants are known to be pathogenic. Please note: this variant was assessed in the context of healthy population screening.

NM_001369.3(DNAH5):c.7775_7776insTGTGTATAAGAGACAGT (p.Gln2592fs)

Gene: DNAH5 (dynein axonemal heavy chain 5; minus strand). Cytogenetic location: 5p15.2.
Variant type: Insertion.
Coding change: c.7775_7776insTGTGTATAAGAGACAGT on transcript NM_001369.3 (MANE Select); coding-DNA positions 7775 to 7776, TGTGTATAAGAGACAGT inserted.
Protein change: p.Gln2592fs; shifts the reading frame from glutamine 2592.
Molecular consequence: frameshift variant.
Genome position: GRCh38 VCF-style: chr5-13807702-T-TACTGTCTCTTATACACA. GRCh37 (hg19) VCF-style: chr5-13807811-T-TACTGTCTCTTATACACA.
Other names: short protein forms Q2592fs.
Identifiers: ClinVar variation 5011164 (VCV005011164.1).